The following is an entry in ClinVar:

NM_001370466.1(NOD2):c.758A>G (p.Glu253Gly)

Gene: NOD2 (nucleotide binding oligomerization domain containing 2; plus strand). Cytogenetic location: 16q12.1.
Variant type: single nucleotide variant.
Coding change: c.758A>G on transcript NM_001370466.1 (MANE Select); coding-DNA position 758, A replaced by G.
Protein change: p.Glu253Gly; replaces glutamic acid 253 with glycine.
Molecular consequence: missense variant. On other transcripts: non-coding transcript variant (1).
Genome position (GRCh38, 1-based): chr16:50,710,750, A>G. VCF-style: chr16-50710750-A-G. GRCh37 (hg19) VCF-style: chr16-50744661-A-G.
Other names: c.758A>G, p.Glu253Gly (NM_001293557.2); c.839A>G, p.Glu280Gly (NM_022162.3); short protein forms E253G, E280G.
Identifiers: ClinVar variation 1973886 (VCV001973886.5), dbSNP rs146074127, ClinGen allele CA281261558.

ClinVar aggregate classification (germline): Uncertain significance (1 of 4 stars; one submission).

Conditions:
Regional enteritis. Also called: Enteritis, Granulomatous. Identifiers: MedGen C0678202, MeSH D003424.
Blau syndrome (BLAUS). Also called: ARTHROCUTANEOUVEAL GRANULOMATOSIS; GRANULOMATOSIS, FAMILIAL JUVENILE SYSTEMIC; GRANULOMATOSIS, FAMILIAL, BLAU TYPE; GRANULOMATOUS INFLAMMATORY ARTHRITIS, DERMATITIS, AND UVEITIS, FAMILIAL; JABS SYNDROME. Identifiers: Orphanet 90340, MedGen C5201146, MONDO:0008523, OMIM 186580.

Allele frequency attached by ClinVar (database versions not stated): ESP Exome Variant Server 0.00008.

Submission:

Labcorp Genetics (formerly Invitae), Labcorp
Classification: Uncertain significance for Regional enteritis; Blau syndrome. Last evaluated: 2022-08-19. Review status: criteria provided, single submitter. Criteria: Invitae Variant Classification Sherloc (09022015). Collection method: clinical testing. Allele origin: germline.
Comment: In summary, the available evidence is currently insufficient to determine the role of this variant in disease. Therefore, it has been classified as a Variant of Uncertain Significance. This sequence change replaces glutamic acid, which is acidic and polar, with glycine, which is neutral and non-polar, at codon 280 of the NOD2 protein (p.Glu280Gly). This variant is not present in population databases (gnomAD no frequency). This variant has not been reported in the literature in individuals affected with NOD2-related conditions. Advanced modeling of protein sequence and biophysical properties (such as structural, functional, and spatial information, amino acid conservation, physicochemical variation, residue mobility, and thermodynamic stability) performed at Invitae indicates that this missense variant is not expected to disrupt NOD2 protein function.